The following is an entry in ClinVar:

NM_001271938.2(MEGF8):c.3648C>T (p.His1216=)

Gene: MEGF8 (multiple EGF like domains 8; plus strand). Cytogenetic location: 19q13.2.
Variant type: single nucleotide variant.
Coding change: c.3648C>T on transcript NM_001271938.2 (MANE Select); coding-DNA position 3648, C replaced by T.
Protein change: p.His1216=; no amino-acid change (histidine 1216 retained).
Molecular consequence: synonymous variant.
Genome position (GRCh38, 1-based): chr19:42,353,562, C>T. VCF-style: chr19-42353562-C-T. GRCh37 (hg19) VCF-style: chr19-42857714-C-T.
Other names: c.3447C>T, p.His1149= (NM_001410.3).
Identifiers: ClinVar variation 702714 (VCV000702714.30), dbSNP rs144358189, ClinGen allele CA9475041.

ClinVar aggregate classification (germline): Likely benign. Review status: criteria provided, multiple submitters, no conflicts (2 of 4 stars). 2 submissions from 2 submitters: Likely benign (2). Last evaluated 2023-05-24.

Conditions:
MEGF8-related Carpenter syndrome. Also called: Carpenter syndrome 2. Identifiers: Orphanet 65759, MedGen C3554247, MONDO:0013998, OMIM 614976.

Allele frequency attached by ClinVar (database versions not stated): gnomAD 0.00003; TOPMed 0.00003; gnomAD exomes 0.00004 and 0.00006; ExAC 0.00007; ESP Exome Variant Server 0.00008.
gnomAD v4.1: 63 of 1,602,534 alleles (0.0039%); highest among the groups gnomAD compares: East Asian, 0.027%; no homozygotes.

Submissions (2):

Labcorp Genetics (formerly Invitae), Labcorp
Classification: Likely benign for MEGF8-related Carpenter syndrome. Last evaluated: 2023-05-24. Review status: criteria provided, single submitter. Criteria: Invitae Variant Classification Sherloc (09022015). Collection method: clinical testing. Allele origin: germline.

CeGaT Center for Human Genetics Tuebingen
Classification: Likely benign. Last evaluated: 2022-12-01. Review status: criteria provided, single submitter. Criteria: CeGaT Center For Human Genetics Tuebingen Variant Classification Criteria Version 2. Collection method: clinical testing. Allele origin: germline. Affected: yes. Observed: 1 variant allele.
Comment: MEGF8: BP4, BP7